The following is an entry in ClinVar:

NM_014780.5(CUL7):c.1780G>A (p.Ala594Thr)

Gene: CUL7 (cullin 7; minus strand). Cytogenetic location: 6p21.1.
Variant type: single nucleotide variant.
Coding change: c.1780G>A on transcript NM_014780.5 (MANE Select); coding-DNA position 1780, G replaced by A.
Protein change: p.Ala594Thr; replaces alanine 594 with threonine.
Molecular consequence: missense variant.
Genome position (GRCh38, 1-based): chr6:43,049,452, C>T on the plus strand (G>A on the coding strand, the complement: CUL7 is on the minus strand). VCF-style: chr6-43049452-C-T. GRCh37 (hg19) VCF-style: chr6-43017190-C-T.
Other names: c.1876G>A, p.Ala626Thr (NM_001168370.2, NM_001374872.1); c.1780G>A, p.Ala594Thr (NM_001374873.1, NM_001374874.1); short protein forms A594T, A626T.
Identifiers: ClinVar variation 356845 (VCV000356845.34), dbSNP rs141065679, ClinGen allele CA3814077.

ClinVar aggregate classification (germline): Benign/Likely benign. Review status: criteria provided, multiple submitters, no conflicts (2 of 4 stars). 4 submissions from 4 submitters: Benign (3); Likely benign (1). Last evaluated 2026-05-11.

Conditions:
3M syndrome 1. Also called: 3-M Syndrome, CUL7-Related. Identifiers: Orphanet 2616, MedGen C2678312, MONDO:0010117, OMIM 273750.

Allele frequency attached by ClinVar (database versions not stated): TOPMed 0.00683; gnomAD 0.00707; ESP Exome Variant Server 0.00930; 1000 Genomes Project 0.00120; 1000 Genomes Project 30x 0.00125; gnomAD exomes 0.00645; ExAC 0.00683.

Submissions (4):

Women's Health and Genetics/Laboratory Corporation of America, LabCorp
Classification: Likely benign. Last evaluated: 2026-05-11. Review status: criteria provided, single submitter. Criteria: LabCorp Variant Classification Summary - May 2015. Collection method: clinical testing. Allele origin: germline.

CeGaT Center for Human Genetics Tuebingen
Classification: Benign. Last evaluated: 2026-05-01. Review status: criteria provided, single submitter. Criteria: CeGaT Center For Human Genetics Tuebingen Variant Classification Criteria Version 2. Collection method: clinical testing. Allele origin: germline. Affected: yes. Observed: 5 variant alleles.
Comment: CUL7: BP4, BS1, BS2

Labcorp Genetics (formerly Invitae), Labcorp
Classification: Benign. Last evaluated: 2026-02-04. Review status: criteria provided, single submitter. Criteria: Invitae Variant Classification Sherloc (09022015). Collection method: clinical testing. Allele origin: germline.

Illumina Laboratory Services, Illumina
Classification: Benign for 3M syndrome 1. Last evaluated: 2018-01-13. Review status: criteria provided, single submitter. Criteria: ICSL Variant Classification Criteria 13 December 2019. Collection method: clinical testing. Allele origin: germline.
Comment: This variant was observed in the ICSL laboratory as part of a predisposition screen in an ostensibly healthy population. It had not been previously curated by ICSL or reported in the Human Gene Mutation Database (HGMD: prior to June 1st, 2018), and was therefore a candidate for classification through an automated scoring system. Utilizing variant allele frequency, disease prevalence and penetrance estimates, and inheritance mode, an automated score was calculated to assess if this variant is too frequent to cause the disease. Based on the score and internal cut-off values, a variant classified as benign is not then subjected to further curation. The score for this variant resulted in a classification of benign for this disease.